The following is an entry in ClinVar:

ClinVar aggregate classification (germline): Pathogenic (1 of 4 stars; one submission).

Conditions:
Fanconi anemia (FA). Also called: Fanconi's anemia. Identifiers: Orphanet 84, MedGen C0015625, MeSH D005199, MONDO:0019391.

Submission:

Labcorp Genetics (formerly Invitae), Labcorp
Classification: Pathogenic for Fanconi anemia. Last evaluated: 2022-10-17. Review status: criteria provided, single submitter. Criteria: Invitae Variant Classification Sherloc (09022015). Collection method: clinical testing. Allele origin: germline.
Comment: This variant is a gross deletion of the genomic region encompassing exon(s) 8-14 of the FANCD2 gene. This deletion is out-of-frame, and is expected to create a premature termination codon and result in an absent or disrupted protein product. Loss-of-function variants in FANCD2 are known to be pathogenic (PMID: 17436244). This variant has not been reported in the literature in individuals affected with FANCD2-related conditions. For these reasons, this variant has been classified as Pathogenic.

Literature cited by the submitters: PubMed 17436244.

NC_000003.11:g.(?_10080953)_(10085558_?)del

Gene: FANCD2 (FA complementation group D2; plus strand). Cytogenetic location: 3p25.3.
Variant type: Deletion.
Identifiers: ClinVar variation 2427115 (VCV002427115.3).